The following is an entry in ClinVar:

NM_001085411.3(NADK2):c.40C>T (p.Arg14Cys)

Genes: NADK2 (NAD kinase 2, mitochondrial; minus strand), LOC129993801 (ATAC-STARR-seq lymphoblastoid silent region 15972; plus strand). Cytogenetic location: 5p13.2.
Variant type: single nucleotide variant.
Coding change: c.40C>T on transcript NM_001085411.3 (MANE Select); coding-DNA position 40, C replaced by T.
Protein change: p.Arg14Cys; replaces arginine 14 with cysteine.
Molecular consequence: missense variant. On other transcripts: intron variant (2).
Genome position (GRCh38, 1-based): chr5:36,241,759, G>A on the plus strand (C>T on the coding strand, the complement: NADK2 is on the minus strand). VCF-style: chr5-36241759-G-A. GRCh37 (hg19) VCF-style: chr5-36241861-G-A.
Other names: c.40C>T (NM_001085411.1); c.-190+337C>T (NM_153013.5, NM_001287341.2); short protein forms R14C.
Identifiers: ClinVar variation 2999115 (VCV002999115.4), dbSNP rs1410863521, ClinGen allele CA359448128.

ClinVar aggregate classification (germline): Uncertain significance. Review status: criteria provided, multiple submitters, no conflicts (2 of 4 stars). 2 submissions from 2 submitters: Uncertain significance (2). Last evaluated 2024-08-26.

Conditions:
Progressive encephalopathy with leukodystrophy due to DECR deficiency. Identifiers: Orphanet 431361, MedGen C1857252, MONDO:0014464, OMIM 616034.
Inborn genetic diseases. Identifiers: MedGen C0950123, MeSH D030342.

Allele frequency attached by ClinVar (database versions not stated): TOPMed 0.00001.

Submissions (2):

Ambry Genetics
Classification: Uncertain significance for Inborn genetic diseases. Last evaluated: 2024-08-26. Review status: criteria provided, single submitter. Criteria: Ambry Variant Classification Scheme 2023. Collection method: clinical testing. Allele origin: germline.

Labcorp Genetics (formerly Invitae), Labcorp
Classification: Uncertain significance for Progressive encephalopathy with leukodystrophy due to DECR deficiency. Last evaluated: 2023-09-15. Review status: criteria provided, single submitter. Criteria: Invitae Variant Classification Sherloc (09022015). Collection method: clinical testing. Allele origin: germline.
Comment: In summary, the available evidence is currently insufficient to determine the role of this variant in disease. Therefore, it has been classified as a Variant of Uncertain Significance. Algorithms developed to predict the effect of missense changes on protein structure and function output the following: SIFT: "Not Available"; PolyPhen-2: "Benign"; Align-GVGD: "Not Available". The cysteine amino acid residue is found in multiple mammalian species, which suggests that this missense change does not adversely affect protein function. This variant has not been reported in the literature in individuals affected with NADK2-related conditions. The frequency data for this variant in the population databases is considered unreliable, as metrics indicate poor data quality at this position in the gnomAD database. This sequence change replaces arginine, which is basic and polar, with cysteine, which is neutral and slightly polar, at codon 14 of the NADK2 protein (p.Arg14Cys).